The following is an entry in ClinVar:

ClinVar aggregate classification (germline): Uncertain significance. Review status: criteria provided, single submitter (1 of 4 stars). 2 submissions from 2 submitters: Uncertain significance (1). 1 of the submissions does not count toward it. Last evaluated 2021-08-31.

Conditions:
Primary ciliary dyskinesia. Also called: Ciliary dyskinesia. Identifiers: Orphanet 244, MedGen C0008780, MONDO:0016575, HP:0012265.

Allele frequency attached by ClinVar (database versions not stated): gnomAD exomes below 0.00001.
gnomAD v4.1: 2 of 1,613,720 alleles (0.00012%); highest among the groups gnomAD compares: Non-Finnish European, 0.00017%; no homozygotes.

Submissions (2):

Labcorp Genetics (formerly Invitae), Labcorp
Classification: Uncertain significance for Primary ciliary dyskinesia. Last evaluated: 2021-08-31. Review status: criteria provided, single submitter. Criteria: Invitae Variant Classification Sherloc (09022015). Collection method: clinical testing. Allele origin: germline.
Comment: This sequence change replaces proline with leucine at codon 1164 of the DNAH5 protein (p.Pro1164Leu). The proline residue is highly conserved and there is a moderate physicochemical difference between proline and leucine. This variant is not present in population databases (ExAC no frequency). This variant has not been reported in the literature in individuals affected with DNAH5-related conditions. Algorithms developed to predict the effect of missense changes on protein structure and function are either unavailable or do not agree on the potential impact of this missense change (SIFT: "Deleterious"; PolyPhen-2: "Possibly Damaging"; Align-GVGD: "Class C0"). In summary, the available evidence is currently insufficient to determine the role of this variant in disease. Therefore, it has been classified as a Variant of Uncertain Significance.

Natera, Inc.
Classification: Uncertain significance for Primary ciliary dyskinesia. Last evaluated: 2025-01-13. Review status: no assertion criteria provided. Collection method: clinical testing. Allele origin: germline. Not counted in ClinVar's aggregate classification.

NM_001369.3(DNAH5):c.3491C>T (p.Pro1164Leu)

Genes: DNAH5 (dynein axonemal heavy chain 5; minus strand), DNAH5-AS1 (DNAH5 antisense RNA 1; plus strand). Cytogenetic location: 5p15.2.
Variant type: single nucleotide variant.
Coding change: c.3491C>T on transcript NM_001369.3 (MANE Select); coding-DNA position 3491, C replaced by T.
Protein change: p.Pro1164Leu; replaces proline 1164 with leucine.
Molecular consequence: missense variant.
Genome position (GRCh38, 1-based): chr5:13,871,671, G>A on the plus strand (C>T on the coding strand, the complement: DNAH5 is on the minus strand). VCF-style: chr5-13871671-G-A. GRCh37 (hg19) VCF-style: chr5-13871780-G-A.
Other names: short protein forms P1164L.
Identifiers: ClinVar variation 238971 (VCV000238971.7), dbSNP rs878854456, ClinGen allele CA10582401.